The following is an entry in ClinVar:

ClinVar aggregate classification (germline): Benign (1 of 4 stars; one submission).

Allele frequency attached by ClinVar (database versions not stated): gnomAD 0.21526 and 0.22374; TOPMed 0.21991; 1000 Genomes Project 30x 0.24807; 1000 Genomes Project 0.25563; gnomAD exomes 0.29664.
gnomAD v4.1: 167,783 of 593,801 alleles (28%); highest among the groups gnomAD compares: South Asian, 39%; 17,598 homozygotes.

Submission:

GeneDx
Classification: Benign. Last evaluated: 2018-06-16. Review status: criteria provided, single submitter. Criteria: GeneDx Variant Classification (06012015). Collection method: clinical testing. Allele origin: germline. Affected: yes.
Comment: This variant is considered likely benign or benign based on one or more of the following criteria: it is a conservative change, it occurs at a poorly conserved position in the protein, it is predicted to be benign by multiple in silico algorithms, and/or has population frequency not consistent with disease.

NM_004006.3(DMD):c.1331+127G>A

Gene: DMD (dystrophin; minus strand). Cytogenetic location: Xp21.1.
Variant type: single nucleotide variant.
Coding change: c.1331+127G>A on transcript NM_004006.3 (MANE Select); 127 bases into the intron after coding-DNA position 1331, G replaced by A.
Molecular consequence: intron variant.
Genome position (GRCh38, 1-based): chrX:32,644,005, C>T on the plus strand (G>A on the coding strand, the complement: DMD is on the minus strand). VCF-style: chrX-32644005-C-T. GRCh37 (hg19) VCF-style: chrX-32662122-C-T.
Other names: c.1307+127G>A (NM_000109.4); c.1319+127G>A (NM_004009.3); c.962+127G>A (NM_004010.3).
Identifiers: ClinVar variation 674341 (VCV000674341.1), dbSNP rs5928065, ClinGen allele CA15045770.